The following is an entry in ClinVar:

ClinVar aggregate classification (germline): Conflicting classifications of pathogenicity. Review status: criteria provided, conflicting classifications (1 of 4 stars). 2 submissions from 2 submitters: Uncertain significance (1); Likely benign (1). Last evaluated 2025-06-09.

Allele frequency attached by ClinVar (database versions not stated): ExAC 0.00002; gnomAD exomes 0.00003; gnomAD 0.00012 and 0.00013; TOPMed 0.00016.
gnomAD v4.1: 74 of 1,612,512 alleles (0.0046%); highest among the groups gnomAD compares: Middle Eastern, 0.082%; no homozygotes.

Submissions (2):

Labcorp Genetics (formerly Invitae), Labcorp
Classification: Uncertain significance. Last evaluated: 2025-06-09. Review status: criteria provided, single submitter. Criteria: Invitae Variant Classification Sherloc (09022015). Collection method: clinical testing. Allele origin: germline.
Comment: This sequence change falls in intron 8 of the TAB2 gene. It does not directly change the encoded amino acid sequence of the TAB2 protein. It affects a nucleotide within the consensus splice site. This variant is present in population databases (rs750285950, gnomAD 0.04%). This variant has not been reported in the literature in individuals affected with TAB2-related conditions. ClinVar contains an entry for this variant (Variation ID: 1427860). Variants that disrupt the consensus splice site are a relatively common cause of aberrant splicing (PMID: 17576681, 9536098). Algorithms developed to predict the effect of sequence changes on RNA splicing suggest that this variant is not likely to affect RNA splicing. In summary, the available evidence is currently insufficient to determine the role of this variant in disease. Therefore, it has been classified as a Variant of Uncertain Significance.

Blueprint Genetics
Classification: Likely benign. Last evaluated: 2024-09-23. Review status: criteria provided, single submitter. Criteria: ACMG Guidelines, 2015. Collection method: clinical testing. Allele origin: germline.

Literature cited by the submitters: PubMed 17576681 (cited by Labcorp Genetics (formerly Invitae), Labcorp); PubMed 9536098 (cited by Labcorp Genetics (formerly Invitae), Labcorp).

NM_001292034.3(TAB2):c.1940-3C>T

Gene: TAB2 (TGF-beta activated kinase 1 (MAP3K7) binding protein 2; plus strand). Cytogenetic location: 6q25.1.
Variant type: single nucleotide variant.
Coding change: c.1940-3C>T on transcript NM_001292034.3 (MANE Select); 3 bases into the intron before coding-DNA position 1940, C replaced by T.
Molecular consequence: intron variant.
Genome position (GRCh38, 1-based): chr6:149,409,574, C>T. VCF-style: chr6-149409574-C-T. GRCh37 (hg19) VCF-style: chr6-149730710-C-T.
Other names: c.1844-3C>T (NM_001292035.3); c.1940-3C>T (NM_001369506.1, NM_015093.6).
Identifiers: ClinVar variation 1427860 (VCV001427860.9), dbSNP rs750285950, ClinGen allele CA4041773.